The following is an entry in ClinVar:

ClinVar aggregate classification (germline): Uncertain significance. Review status: criteria provided, multiple submitters, no conflicts (2 of 4 stars). 2 submissions from 2 submitters: Uncertain significance (2). Last evaluated 2026-09-13.

Conditions:
MYH14-related disorder. Also called: MYH14-related condition.

Submissions (2):

PreventionGenetics, part of Exact Sciences
Classification: Uncertain significance for MYH14-related condition. Last evaluated: 2026-09-13. Review status: criteria provided, single submitter. Criteria: ACMG Guidelines, 2015. Collection method: clinical testing. Allele origin: germline.
Comment: The MYH14 c.2989C>T variant is predicted to result in the amino acid substitution p.Arg997Cys. To our knowledge, this variant has not been reported in the literature or in a large population database (gnomAD), indicating this variant is rare. At this time, the clinical significance of this variant is uncertain due to the absence of conclusive functional and genetic evidence.

CeGaT Center for Human Genetics Tuebingen
Classification: Uncertain significance. Last evaluated: 2025-08-01. Review status: criteria provided, single submitter. Criteria: CeGaT Center For Human Genetics Tuebingen Variant Classification Criteria Version 2. Collection method: clinical testing. Allele origin: germline. Affected: yes. Observed: 1 variant allele.
Comment: MYH14: PM2

NM_001145809.2(MYH14):c.2989C>T (p.Arg997Cys)

Gene: MYH14 (myosin heavy chain 14; plus strand). Cytogenetic location: 19q13.33.
Variant type: single nucleotide variant.
Coding change: c.2989C>T on transcript NM_001145809.2 (MANE Select); coding-DNA position 2989, C replaced by T.
Protein change: p.Arg997Cys; replaces arginine 997 with cysteine.
Molecular consequence: missense variant.
Genome position (GRCh38, 1-based): chr19:50,268,323, C>T. VCF-style: chr19-50268323-C-T. GRCh37 (hg19) VCF-style: chr19-50771580-C-T.
Other names: c.2890C>T, p.Arg964Cys (NM_001077186.2); c.2866C>T, p.Arg956Cys (NM_024729.4); c.2989C>T (NM_001145809.1); short protein forms R956C, R964C, R997C.
Identifiers: ClinVar variation 4085852 (VCV004085852.9).